The following is an entry in ClinVar:

ClinVar aggregate classification (germline): Uncertain significance (1 of 4 stars; one submission).

Conditions:
Neurodevelopmental disorder with progressive spasticity and brain white matter abnormalities. Also called: CEREBRAL PALSY, SPASTIC QUADRIPLEGIC, 1. Identifiers: Orphanet 210141, Orphanet 641353, MedGen C5436628, MONDO:0033613, OMIM 619026.

Submission:

3billion
Classification: Uncertain significance for Neurodevelopmental disorder with progressive spasticity and brain white matter abnormalities. Last evaluated: 2023-11-22. Review status: criteria provided, single submitter. Criteria: ACMG Guidelines, 2015. Collection method: clinical testing. Allele origin: germline. Affected: yes.
Comment: The variant is not observed in the gnomAD v2.1.1 dataset. Predicted Consequence/Location: Missense variant In silico tool predictions suggest damaging effect of the variant on gene or gene product [REVEL: 0.81 (>=0.6, sensitivity 0.68 and specificity 0.92)]. Therefore, this variant is classified as VUS according to the recommendation of ACMG/AMP guideline.

NM_032756.4(HPDL):c.254T>G (p.Val85Gly)

Gene: HPDL (4-hydroxyphenylpyruvate dioxygenase like; plus strand). Cytogenetic location: 1p34.1.
Variant type: single nucleotide variant.
Coding change: c.254T>G on transcript NM_032756.4 (MANE Select); coding-DNA position 254, T replaced by G.
Protein change: p.Val85Gly; replaces valine 85 with glycine.
Molecular consequence: missense variant.
Genome position (GRCh38, 1-based): chr1:45,327,402, T>G. VCF-style: chr1-45327402-T-G. GRCh37 (hg19) VCF-style: chr1-45793074-T-G.
Other names: short protein forms V85G.
Identifiers: ClinVar variation 3775964 (VCV003775964.1).